The following is an entry in ClinVar:

ClinVar aggregate classification (germline): Uncertain significance (1 of 4 stars; one submission).

Conditions:
BBS7-related disorder. Also called: BBS7-related condition.

Submission:

PreventionGenetics, part of Exact Sciences
Classification: Uncertain significance for BBS7-related condition. Last evaluated: 2024-11-09. Review status: criteria provided, single submitter. Criteria: ACMG Guidelines, 2015. Collection method: clinical testing. Allele origin: germline.
Comment: The BBS7 c.602G>A variant is predicted to result in the amino acid substitution p.Gly201Asp. To our knowledge, this variant has not been reported in the literature or in a large population database (gnomAD), indicating this variant is rare. At this time, the clinical significance of this variant is uncertain due to the absence of conclusive functional and genetic evidence.

NM_176824.3(BBS7):c.602G>A (p.Gly201Asp)

Gene: BBS7 (Bardet-Biedl syndrome 7; minus strand). Cytogenetic location: 4q27.
Variant type: single nucleotide variant.
Coding change: c.602G>A on transcript NM_176824.3 (MANE Select); coding-DNA position 602, G replaced by A.
Protein change: p.Gly201Asp; replaces glycine 201 with aspartic acid.
Molecular consequence: missense variant.
Genome position (GRCh38, 1-based): chr4:121,854,820, C>T on the plus strand (G>A on the coding strand, the complement: BBS7 is on the minus strand). VCF-style: chr4-121854820-C-T. GRCh37 (hg19) VCF-style: chr4-122775975-C-T.
Other names: c.602G>A, p.Gly201Asp (NM_018190.4); short protein forms G201D.
Identifiers: ClinVar variation 5000579 (VCV005000579.1).